The following is an entry in ClinVar:

NM_017763.6(RNF43):c.2252C>T (p.Thr751Ile)

Gene: RNF43 (ring finger protein 43; minus strand). Cytogenetic location: 17q22.
Variant type: single nucleotide variant.
Coding change: c.2252C>T on transcript NM_017763.6 (MANE Select); coding-DNA position 2252, C replaced by T.
Protein change: p.Thr751Ile; replaces threonine 751 with isoleucine.
Molecular consequence: missense variant.
Genome position (GRCh38, 1-based): chr17:58,357,524, G>A on the plus strand (C>T on the coding strand, the complement: RNF43 is on the minus strand). VCF-style: chr17-58357524-G-A. GRCh37 (hg19) VCF-style: chr17-56434885-G-A.
Other names: c.2252C>T, p.Thr751Ile (NM_001305544.3); c.1871C>T, p.Thr624Ile (NM_001305545.2); short protein forms T624I, T751I.
Identifiers: ClinVar variation 3789887 (VCV003789887.1).

ClinVar aggregate classification (germline): Uncertain significance (1 of 4 stars; one submission).

gnomAD v4.1: 2 of 1,614,242 alleles (0.00012%); highest among the groups gnomAD compares: Admixed American, 0.0017%; no homozygotes.

Submission:

Ambry Genetics
Classification: Uncertain significance. Last evaluated: 2025-01-08. Review status: criteria provided, single submitter. Criteria: Ambry Variant Classification Scheme 2023. Collection method: clinical testing. Allele origin: germline.
Comment: The p.T751I variant (also known as c.2252C>T), located in coding exon 8 of the RNF43 gene, results from a C to T substitution at nucleotide position 2252. The threonine at codon 751 is replaced by isoleucine, an amino acid with similar properties. This amino acid position is conserved. In addition, this alteration is predicted to be tolerated by in silico analysis. Based on the available evidence, the clinical significance of this variant remains unclear.